The following is an entry in ClinVar:

ClinVar aggregate classification (germline): Pathogenic (1 of 4 stars; one submission).

Conditions:
Birt-Hogg-Dube syndrome. Also called: Birt Hogg Dubé syndrome. Identifiers: Orphanet 122, MedGen C0346010, MONDO:0800444.

Submission:

Labcorp Genetics (formerly Invitae), Labcorp
Classification: Pathogenic for Birt-Hogg-Dube syndrome. Last evaluated: 2023-07-05. Review status: criteria provided, single submitter. Criteria: Invitae Variant Classification Sherloc (09022015). Collection method: clinical testing. Allele origin: germline.
Comment: For these reasons, this variant has been classified as Pathogenic. This premature translational stop signal has been observed in individual(s) with Birt-Hogg-Dubé syndrome (PMID: 22146830). This variant is not present in population databases (gnomAD no frequency). This sequence change creates a premature translational stop signal (p.Ser432Argfs*22) in the FLCN gene. It is expected to result in an absent or disrupted protein product. Loss-of-function variants in FLCN are known to be pathogenic (PMID: 15852235).

Literature cited by the submitters: PubMed 22146830; PubMed 15852235.

NM_144997.7(FLCN):c.1294_1298del (p.Ser432fs)

Gene: FLCN (folliculin; minus strand). Cytogenetic location: 17p11.2.
Variant type: Deletion.
Coding change: c.1294_1298del on transcript NM_144997.7 (MANE Select); coding-DNA positions 1294 to 1298, 5 bases deleted (TCCTC; older notation c.1294_1298delTCCTC).
Protein change: p.Ser432fs; shifts the reading frame from serine 432.
Molecular consequence: frameshift variant.
Genome position (GRCh38, 1-based): chr17:17,216,382-17,216,386, GAGGA deleted on the plus strand (TCCTC on the coding strand, the reverse complement: FLCN is on the minus strand); deleting any 5 consecutive bases within chr17:17,216,382-17,216,389 gives the same sequence; the c. name uses the placement nearest the transcript's 3' end. VCF-style (leftmost placement, unchanged base first): chr17-17216381-TGAGGA-T. GRCh37 (hg19) VCF-style: chr17-17119695-TGAGGA-T.
Other names: c.1348_1352del, p.Ser450fs (NM_001353229.2); c.1294_1298del, p.Ser432fs (NM_001353230.2, NM_001353231.2); short protein forms S450fs, S432fs.
Identifiers: ClinVar variation 2736456 (VCV002736456.3), dbSNP rs2544160911, ClinGen allele CA2695224427.
Genomic context (GRCh38, chr17:17,216,381, plus strand): 5'-CCTGAGGCGTGGGGAACCTCAGCGCAGGGCATGGCCCCACAGCCCGCGGGGGCACGCACC[TGAGGA>T]GAGCACGTGGGGGGGGATCTGCACGTGCGGGCTGAGCCCCAGGAAGTTGCACCGATAGGC-3'